The following is an entry in ClinVar:

ClinVar aggregate classification (germline): Uncertain significance (1 of 4 stars; one submission).

Conditions:
Pheochromocytoma/paraganglioma syndrome 5. Also called: Paragangliomas 5; SDHA-Related Hereditary Paraganglioma-Pheochromocytoma Syndrome. Identifiers: Orphanet 29072, MedGen C3279992, MONDO:0013602, OMIM 614165.
Mitochondrial complex II deficiency, nuclear type 1. Also called: SUCCINATE CoQ REDUCTASE DEFICIENCY. Identifiers: Orphanet 3208, MedGen C5700310, MONDO:0100294, OMIM 252011.

Submission:

Labcorp Genetics (formerly Invitae), Labcorp
Classification: Uncertain significance for Pheochromocytoma/paraganglioma syndrome 5; Mitochondrial complex II deficiency, nuclear type 1. Last evaluated: 2022-03-19. Review status: criteria provided, single submitter. Criteria: Invitae Variant Classification Sherloc (09022015). Collection method: clinical testing. Allele origin: germline.
Comment: This sequence change replaces leucine, which is neutral and non-polar, with arginine, which is basic and polar, at codon 380 of the SDHA protein (p.Leu380Arg). This variant is not present in population databases (gnomAD no frequency). This variant has not been reported in the literature in individuals affected with SDHA-related conditions. Algorithms developed to predict the effect of missense changes on protein structure and function (SIFT, PolyPhen-2, Align-GVGD) all suggest that this variant is likely to be disruptive. In summary, the available evidence is currently insufficient to determine the role of this variant in disease. Therefore, it has been classified as a Variant of Uncertain Significance.

NM_004168.4(SDHA):c.1139T>G (p.Leu380Arg)

Gene: SDHA (succinate dehydrogenase complex flavoprotein subunit A; plus strand). Cytogenetic location: 5p15.33.
Variant type: single nucleotide variant.
Coding change: c.1139T>G on transcript NM_004168.4 (MANE Select); coding-DNA position 1139, T replaced by G.
Protein change: p.Leu380Arg; replaces leucine 380 with arginine.
Molecular consequence: missense variant.
Genome position (GRCh38, 1-based): chr5:235,218, T>G. VCF-style: chr5-235218-T-G. GRCh37 (hg19) VCF-style: chr5-235333-T-G.
Other names: c.995T>G, p.Leu332Arg (NM_001294332.2); c.1139T>G, p.Leu380Arg (NM_001330758.2); short protein forms L332R, L380R.
Identifiers: ClinVar variation 2114080 (VCV002114080.4), dbSNP rs2477363288, ClinGen allele CA359013534.